The following is an entry in ClinVar:

ClinVar aggregate classification (germline): Pathogenic. Review status: reviewed by expert panel (3 of 4 stars). 2 submissions from 2 submitters: Pathogenic (1). 1 of the submissions does not count toward it. Last evaluated 2017-12-15.

Conditions:
Familial cancer of breast. Also called: BREAST CANCER, FAMILIAL; Hereditary breast cancer; hereditary breast carcinoma. Identifiers: Orphanet 227535, MedGen C0346153, MONDO:0016419, OMIM 114480. Disease mechanism: loss of function.
Breast-ovarian cancer, familial, susceptibility to, 2 (BROVCA2). Also called: BRCA2 Hereditary Breast and Ovarian Cancer. Identifiers: Orphanet 145, MedGen C2675520, MONDO:0012933, OMIM 612555. Disease mechanism: loss of function.

Submissions (2):

Evidence-based Network for the Interpretation of Germline Mutant Alleles (ENIGMA)
Classification: Pathogenic for Breast-ovarian cancer, familial, susceptibility to, 2. Last evaluated: 2017-12-15. Review status: reviewed by expert panel. Criteria: ENIGMA BRCA1/2 Classification Criteria (2017-06-29). Collection method: curation. Allele origin: germline. Study: ENIGMA.
Comment: Variant allele predicted to encode a truncated non-functional protein.

ClinVar Staff, National Center for Biotechnology Information (NCBI)
No classification provided. Condition: Familial cancer of breast. Review status: no classification provided. Collection method: literature only. Allele origin: germline. Affected: yes. Not counted in ClinVar's aggregate classification.

Literature cited by the submitters: PubMed 16683254 (cited by ClinVar Staff, National Center for Biotechnology Information (NCBI)).

NM_000059.4(BRCA2):c.595_599dup (p.Pro201fs)

Gene: BRCA2 (BRCA2 DNA repair associated; plus strand). Cytogenetic location: 13q13.1.
Variant type: Duplication.
Coding change: c.595_599dup on transcript NM_000059.4 (MANE Select); coding-DNA positions 595 to 599, 5 bases duplicated (GCTAC; older notation c.595_599dupGCTAC).
Protein change: p.Pro201fs; shifts the reading frame from proline 201.
Molecular consequence: frameshift variant.
Genome position (GRCh38, 1-based): chr13:32,326,577-32,326,581, GCTAC duplicated. VCF-style (leftmost placement, unchanged base first): chr13-32326576-A-AGCTAC. GRCh37 (hg19) VCF-style: chr13-32900713-A-AGCTAC.
Other names: c.595_599dupGCTAC (NM_000059.3); short protein forms P201fs.
Identifiers: ClinVar variation 51974 (VCV000051974.3), dbSNP rs397507816, ClinGen allele CA023481.